The following is an entry in ClinVar:

NM_004329.3(BMPR1A):c.849G>A (p.Met283Ile)

Gene: BMPR1A (bone morphogenetic protein receptor type 1A; plus strand). Cytogenetic location: 10q23.2.
Variant type: single nucleotide variant.
Coding change: c.849G>A on transcript NM_004329.3 (MANE Select); coding-DNA position 849, G replaced by A.
Protein change: p.Met283Ile; replaces methionine 283 with isoleucine.
Molecular consequence: missense variant. On other transcripts: non-coding transcript variant (3).
Genome position (GRCh38, 1-based): chr10:86,917,307, G>A. VCF-style: chr10-86917307-G-A. GRCh37 (hg19) VCF-style: chr10-88677064-G-A.
Other names: c.924G>A, p.Met308Ile (NM_001406559.1); c.897G>A, p.Met299Ile (NM_001406560.1); c.849G>A, p.Met283Ile (NM_001406561.1, NM_001406562.1, NM_001406563.1 and 19 more transcripts); c.843G>A, p.Met281Ile (NM_001406583.1); c.765G>A, p.Met255Ile (NM_001406584.1, NM_001406585.1, NM_001406586.1 and 2 more transcripts); c.507G>A, p.Met169Ile (NM_001406589.1); short protein forms M283I, M255I, M281I, M299I, M169I, M308I.
Identifiers: ClinVar variation 4842486 (VCV004842486.1).

ClinVar aggregate classification (germline): Uncertain significance (1 of 4 stars; one submission).

Conditions:
Hereditary cancer-predisposing syndrome. Also called: Neoplastic Syndromes, Hereditary; Tumor predisposition; Hereditary Cancer Syndrome; Hereditary neoplastic syndrome. Identifiers: Orphanet 140162, MedGen C0027672, MeSH D009386, MONDO:0015356.

Submission:

Ambry Genetics
Classification: Uncertain significance for Hereditary cancer-predisposing syndrome. Last evaluated: 2026-01-04. Review status: criteria provided, single submitter. Criteria: Ambry Variant Classification Scheme 2023. Collection method: clinical testing. Allele origin: germline.
Comment: The p.M283I variant (also known as c.849G>A), located in coding exon 7 of the BMPR1A gene, results from a G to A substitution at nucleotide position 849. The methionine at codon 283 is replaced by isoleucine, an amino acid with highly similar properties. This amino acid position is conserved. In addition, the in silico prediction for this alteration is inconclusive. Based on the available evidence, the clinical significance of this variant remains unclear.